The following is an entry in ClinVar:

NM_006231.4(POLE):c.2677C>T (p.Pro893Ser)

Gene: POLE (DNA polymerase epsilon, catalytic subunit; minus strand). Cytogenetic location: 12q24.33.
Variant type: single nucleotide variant.
Coding change: c.2677C>T on transcript NM_006231.4 (MANE Select); coding-DNA position 2677, C replaced by T.
Protein change: p.Pro893Ser; replaces proline 893 with serine.
Molecular consequence: missense variant.
Genome position (GRCh38, 1-based): chr12:132,664,033, G>A on the plus strand (C>T on the coding strand, the complement: POLE is on the minus strand). VCF-style: chr12-132664033-G-A. GRCh37 (hg19) VCF-style: chr12-133240619-G-A.
Other names: short protein forms P893S.
Identifiers: ClinVar variation 1018278 (VCV001018278.8), dbSNP rs2042735412, ClinGen allele CA387395174.

ClinVar aggregate classification (germline): Uncertain significance (1 of 4 stars; one submission).

Submission:

Labcorp Genetics (formerly Invitae), Labcorp
Classification: Uncertain significance. Last evaluated: 2023-12-06. Review status: criteria provided, single submitter. Criteria: Invitae Variant Classification Sherloc (09022015). Collection method: clinical testing. Allele origin: germline.
Comment: This sequence change replaces proline, which is neutral and non-polar, with serine, which is neutral and polar, at codon 893 of the POLE protein (p.Pro893Ser). This variant is not present in population databases (gnomAD no frequency). This variant has not been reported in the literature in individuals affected with POLE-related conditions. ClinVar contains an entry for this variant (Variation ID: 1018278). Advanced modeling of protein sequence and biophysical properties (such as structural, functional, and spatial information, amino acid conservation, physicochemical variation, residue mobility, and thermodynamic stability) performed at Invitae indicates that this missense variant is not expected to disrupt POLE protein function with a negative predictive value of 80%. In summary, the available evidence is currently insufficient to determine the role of this variant in disease. Therefore, it has been classified as a Variant of Uncertain Significance.